The following is an entry in ClinVar:

ClinVar aggregate classification (germline): Likely pathogenic (1 of 4 stars; one submission).

Conditions:
Fabry disease. Also called: ALPHA-GALACTOSIDASE A DEFICIENCY; ANDERSON-FABRY DISEASE; CERAMIDE TRIHEXOSIDASE DEFICIENCY; GLA DEFICIENCY; HEREDITARY DYSTOPIC LIPIDOSIS; Angiokeratoma corporis diffusum. Identifiers: Orphanet 324, MedGen C0002986, MONDO:0010526, OMIM 301500, HP:0001071. Disease mechanism: Fabry disease is due to inactivating mutations in the X-linked GLA gene resulting in deficiency of the enzyme Alpha Galactosidase-A., loss of function.

Submission:

Genomenon, Inc
Classification: Likely pathogenic for Fabry disease. Last evaluated: 2026-09-08. Review status: criteria provided, single submitter. Criteria: Genomenon Sequence Variant Interpretation Standards - Updated. Collection method: curation. Allele origin: germline. Affected: yes.
Comment: GLA p.Asp322His (c.964G>C) is a missense variant that changes the amino acid at codon 322 from Aspartic acid to Histidine. This variant has been observed in at least one proband with clinical features consistent with Fabry disease (PMID:28615118). At least one functional study has demonstrated a substantial alteration in protein function relative to the wild-type (PMID:28615118). It is absent or not present at a significant frequency in gnomAD. In silico models predict that this variant is possibly or probably damaging. In conclusion, we classify GLA p.Asp322His (c.964G>C) as a likely pathogenic variant.

Literature cited by the submitters: PubMed 28615118.

NM_000169.3(GLA):c.964G>C (p.Asp322His)

Genes: GLA (galactosidase alpha; minus strand), RPL36A-HNRNPH2 (RPL36A-HNRNPH2 readthrough; plus strand). Cytogenetic location: Xq22.1.
Variant type: single nucleotide variant.
Coding change: c.964G>C on transcript NM_000169.3 (MANE Select); coding-DNA position 964, G replaced by C.
Protein change: p.Asp322His; replaces aspartic acid 322 with histidine.
Molecular consequence: missense variant. On other transcripts: non-coding transcript variant (3), intron variant (2).
Genome position (GRCh38, 1-based): chrX:101,398,405, C>G on the plus strand (G>C on the coding strand, the complement: GLA is on the minus strand). VCF-style: chrX-101398405-C-G. GRCh37 (hg19) VCF-style: chrX-100653393-C-G.
Other names: c.1087G>C, p.Asp363His (NM_001406747.1); c.964G>C, p.Asp322His (NM_001406748.1); c.300+2948C>G (NM_001199973.2); c.177+6583C>G (NM_001199974.2); short protein forms D322H, D363H.
Identifiers: ClinVar variation 4087605 (VCV004087605.2).